The following is an entry in ClinVar:

ClinVar aggregate classification (germline): Uncertain significance (1 of 4 stars; one submission).

gnomAD v4.1: 1 of 1,587,716 alleles (0.000063%); highest among the groups gnomAD compares: Non-Finnish European, 0.000086%; no homozygotes.

Submission:

GeneDx
Classification: Uncertain significance. Last evaluated: 2024-04-29. Review status: criteria provided, single submitter. Criteria: GeneDx Variant Classification Process June 2021. Collection method: clinical testing. Allele origin: germline. Affected: yes.
Comment: Not observed at significant frequency in large population cohorts (gnomAD); In silico analysis supports that this missense variant has a deleterious effect on protein structure/function; Has not been previously published as pathogenic or benign to our knowledge

NM_001037333.3(CYFIP2):c.620C>T (p.Ser207Leu)

Gene: CYFIP2 (cytoplasmic FMR1 interacting protein 2; plus strand). Cytogenetic location: 5q33.3.
Variant type: single nucleotide variant.
Coding change: c.620C>T on transcript NM_001037333.3 (MANE Select); coding-DNA position 620, C replaced by T.
Protein change: p.Ser207Leu; replaces serine 207 with leucine.
Molecular consequence: missense variant.
Genome position (GRCh38, 1-based): chr5:157,302,844, C>T. VCF-style: chr5-157302844-C-T. GRCh37 (hg19) VCF-style: chr5-156729852-C-T.
Other names: c.542C>T, p.Ser181Leu (NM_001291721.2); c.620C>T, p.Ser207Leu (NM_001291722.2, NM_014376.4); c.620C>T (NM_001037333.2); short protein forms S207L, S181L.
Identifiers: ClinVar variation 3373261 (VCV003373261.1), dbSNP rs267600513.